The following is an entry in ClinVar:

ClinVar aggregate classification (germline): Likely benign (1 of 4 stars; one submission).

Conditions:
PHIP-related disorder. Also called: PHIP-related disorders; PHIP-related condition.

Submission:

PreventionGenetics, part of Exact Sciences
Classification: Likely benign for PHIP-related condition. Last evaluated: 2025-02-08. Review status: criteria provided, single submitter. Criteria: ACMG Guidelines, 2015. Collection method: clinical testing. Allele origin: germline.
Comment: This variant is classified as likely benign based on ACMG/AMP sequence variant interpretation guidelines (Richards et al. 2015 PMID: 25741868, with internal and published modifications).

NM_017934.7(PHIP):c.1761C>G (p.Pro587=)

Gene: PHIP (PHIP subunit of CUL4-Ring ligase complex; minus strand). Cytogenetic location: 6q14.1.
Variant type: single nucleotide variant.
Coding change: c.1761C>G on transcript NM_017934.7 (MANE Select); coding-DNA position 1761, C replaced by G.
Protein change: p.Pro587=; no amino-acid change (proline 587 retained).
Molecular consequence: synonymous variant.
Genome position (GRCh38, 1-based): chr6:79,002,017, G>C on the plus strand (C>G on the coding strand, the complement: PHIP is on the minus strand). VCF-style: chr6-79002017-G-C. GRCh37 (hg19) VCF-style: chr6-79711734-G-C.
Identifiers: ClinVar variation 4998896 (VCV004998896.1).
Genomic context (GRCh38, chr6:79,002,017, plus strand): 5'-AGGAACTAATCTTTGATATCTTGATGGATGAGGGTTACCATCAACATCAACCAAAAAAGG[G>C]GGAGGCATAAGATGAGGTGCTTGCTGAGTCTGTTCATCTAATACAAAATTGTTGGCATCA-3'
Protein context (NP_060404.4, residues 577-597): QTQQAPHLMP[Pro587=]PFLVDVDGNP